The following is an entry in ClinVar:

ClinVar aggregate classification (germline): Uncertain significance (1 of 4 stars; one submission).

Conditions:
Gastrointestinal stromal tumor. Also called: Gastrointestinal stromal tumor, somatic; Gastrointestinal stroma tumor. Identifiers: Orphanet 44890, MedGen C0238198, MeSH D046152, MONDO:0011719, OMIM 606764, HP:0100723.

Submission:

Labcorp Genetics (formerly Invitae), Labcorp
Classification: Uncertain significance for Gastrointestinal stromal tumor. Last evaluated: 2019-01-28. Review status: criteria provided, single submitter. Criteria: Invitae Variant Classification Sherloc (09022015). Collection method: clinical testing. Allele origin: germline.
Comment: This variant has not been reported in the literature in individuals with PDGFRA-related conditions. In summary, the available evidence is currently insufficient to determine the role of this variant in disease. Therefore, it has been classified as a Variant of Uncertain Significance. Algorithms developed to predict the effect of missense changes on protein structure and function output the following: SIFT: "Tolerated"; PolyPhen-2: "Benign"; Align-GVGD: "Class C0". The aspartic acid amino acid residue is found in multiple mammalian species, suggesting that this missense change does not adversely affect protein function. These predictions have not been confirmed by published functional studies and their clinical significance is uncertain. This variant is not present in population databases (ExAC no frequency). This sequence change replaces glutamic acid with aspartic acid at codon 446 of the PDGFRA protein (p.Glu446Asp). The glutamic acid residue is moderately conserved and there is a small physicochemical difference between glutamic acid and aspartic acid.

NM_006206.6(PDGFRA):c.1338G>T (p.Glu446Asp)

Gene: PDGFRA (platelet derived growth factor receptor alpha; plus strand). Cytogenetic location: 4q12.
Variant type: single nucleotide variant.
Coding change: c.1338G>T on transcript NM_006206.6 (MANE Select); coding-DNA position 1338, G replaced by T.
Protein change: p.Glu446Asp; replaces glutamic acid 446 with aspartic acid.
Molecular consequence: missense variant.
Genome position (GRCh38, 1-based): chr4:54,272,494, G>T. VCF-style: chr4-54272494-G-T. GRCh37 (hg19) VCF-style: chr4-55138661-G-T.
Other names: c.1338G>T, p.Glu446Asp (NM_001347827.2, NM_001347829.2); c.1413G>T, p.Glu471Asp (NM_001347828.2); c.1377G>T, p.Glu459Asp (NM_001347830.2); short protein forms E459D, E471D, E446D.
Identifiers: ClinVar variation 838620 (VCV000838620.10), dbSNP rs1723460583, ClinGen allele CA356892336.